The following is an entry in ClinVar:

ClinVar aggregate classification (germline): Uncertain significance. Review status: criteria provided, multiple submitters, no conflicts (2 of 4 stars). 4 submissions from 4 submitters: Uncertain significance (4). Last evaluated 2026-05-12.

Conditions:
Cardiovascular phenotype. Identifiers: MedGen CN230736.
Brugada syndrome 7 (BRGDA7). Identifiers: Orphanet 130, MedGen C2751088, MONDO:0013146, OMIM 613120.

Allele frequency attached by ClinVar (database versions not stated): gnomAD exomes 0.00001 and 0.00002; TOPMed 0.00003; ExAC 0.00004; gnomAD 0.00008 and 0.00009.
gnomAD v4.1: 32 of 1,613,956 alleles (0.002%); highest among the groups gnomAD compares: Middle Eastern, 0.016%; no homozygotes.

Submissions (4):

Women's Health and Genetics/Laboratory Corporation of America, LabCorp
Classification: Uncertain significance. Last evaluated: 2026-05-12. Review status: criteria provided, single submitter. Criteria: LabCorp Variant Classification Summary - May 2015. Collection method: clinical testing. Allele origin: germline.
Comment: Variant summary: SCN3B c.413C>T (p.Thr138Met) results in a non-conservative amino acid change in the encoded protein sequence. Algorithms developed to predict the effect of missense changes on protein structure and function are either unavailable or do not agree on the potential impact of this missense change. The variant allele was found at a frequency of 2e-05 in 251374 control chromosomes. The available data on variant occurrences in the general population are insufficient to allow any conclusion about variant significance. To our knowledge, no occurrence of c.413C>T in individuals affected with SCN3B-related conditions and no experimental evidence demonstrating its impact on protein function have been reported. ClinVar contains an entry for this variant (Variation ID: 806755). Based on the evidence outlined above, the variant was classified as uncertain significance.

Ambry Genetics
Classification: Uncertain significance for Cardiovascular phenotype. Last evaluated: 2025-10-29. Review status: criteria provided, single submitter. Criteria: Ambry Variant Classification Scheme 2023. Collection method: clinical testing. Allele origin: germline.
Comment: The p.T138M variant (also known as c.413C>T), located in coding exon 3 of the SCN3B gene, results from a C to T substitution at nucleotide position 413. The threonine at codon 138 is replaced by methionine, an amino acid with similar properties. This amino acid position is well conserved in available vertebrate species. In addition, this alteration is predicted to be tolerated by in silico analysis. The evidence for this gene-disease relationship is limited; therefore, the clinical significance of this alteration is unclear.

Labcorp Genetics (formerly Invitae), Labcorp
Classification: Uncertain significance for Brugada syndrome 7. Last evaluated: 2024-10-05. Review status: criteria provided, single submitter. Criteria: Invitae Variant Classification Sherloc (09022015). Collection method: clinical testing. Allele origin: germline.
Comment: This sequence change replaces threonine, which is neutral and polar, with methionine, which is neutral and non-polar, at codon 138 of the SCN3B protein (p.Thr138Met). This variant is present in population databases (rs761964055, gnomAD 0.02%). This variant has not been reported in the literature in individuals affected with SCN3B-related conditions. ClinVar contains an entry for this variant (Variation ID: 806755). An algorithm developed to predict the effect of missense changes on protein structure and function (PolyPhen-2) suggests that this variant is likely to be disruptive. In summary, the available evidence is currently insufficient to determine the role of this variant in disease. Therefore, it has been classified as a Variant of Uncertain Significance.

CeGaT Center for Human Genetics Tuebingen
Classification: Uncertain significance. Last evaluated: 2016-10-01. Review status: criteria provided, single submitter. Criteria: CeGaT Center For Human Genetics Tuebingen Variant Classification Criteria Version 2. Collection method: clinical testing. Allele origin: germline. Affected: yes. Observed: 1 variant allele.

NM_001040151.2(SCN3B):c.413C>T (p.Thr138Met)

Gene: SCN3B (sodium voltage-gated channel beta subunit 3; minus strand). Cytogenetic location: 11q24.1.
Variant type: single nucleotide variant.
Coding change: c.413C>T on transcript NM_001040151.2 (MANE Select); coding-DNA position 413, C replaced by T.
Protein change: p.Thr138Met; replaces threonine 138 with methionine.
Molecular consequence: missense variant.
Genome position (GRCh38, 1-based): chr11:123,642,478, G>A on the plus strand (C>T on the coding strand, the complement: SCN3B is on the minus strand). VCF-style: chr11-123642478-G-A. GRCh37 (hg19) VCF-style: chr11-123513186-G-A.
Other names: c.413C>T, p.Thr138Met (NM_018400.4); short protein forms T138M.
Identifiers: ClinVar variation 806755 (VCV000806755.47), dbSNP rs761964055, ClinGen allele CA6334021.